The following is an entry in ClinVar:

NM_130398.4(EXO1):c.162-3T>C

Gene: EXO1 (exonuclease 1; plus strand). Cytogenetic location: 1q43.
Variant type: single nucleotide variant.
Coding change: c.162-3T>C on transcript NM_130398.4 (MANE Select); 3 bases into the intron before coding-DNA position 162, T replaced by C.
Molecular consequence: intron variant.
Genome position (GRCh38, 1-based): chr1:241,852,289, T>C. VCF-style: chr1-241852289-T-C. GRCh37 (hg19) VCF-style: chr1-242015591-T-C.
Other names: c.162-3T>C (NM_006027.4, NM_001319224.2, NM_003686.4 and 1 more transcripts).
Identifiers: ClinVar variation 767770 (VCV000767770.5), dbSNP rs4149863, ClinGen allele CA1480927.

ClinVar aggregate classification (germline): Benign. Review status: criteria provided, single submitter (1 of 4 stars). 2 submissions from 2 submitters: Benign (1). 1 of the submissions does not count toward it. Last evaluated 2018-06-27.

Conditions:
EXO1-related disorder. Also called: EXO1-related condition.

Allele frequency attached by ClinVar (database versions not stated): gnomAD exomes 0.00669; ExAC 0.00819; gnomAD 0.02589 and 0.02788; ESP Exome Variant Server 0.02823; 1000 Genomes Project 0.02895; TOPMed 0.02988; 1000 Genomes Project 30x 0.03045.
gnomAD v4.1: 7,609 of 1,601,104 alleles (0.48%); highest among the groups gnomAD compares: African/African-American, 9%; 332 homozygotes.

Submissions (2):

Labcorp Genetics (formerly Invitae), Labcorp
Classification: Benign. Last evaluated: 2018-06-27. Review status: criteria provided, single submitter. Criteria: Invitae Variant Classification Sherloc (09022015). Collection method: clinical testing. Allele origin: germline.

PreventionGenetics, part of Exact Sciences
Classification: Benign for EXO1-related condition. Last evaluated: 2019-08-13. Review status: no assertion criteria provided. Collection method: clinical testing. Allele origin: germline. Not counted in ClinVar's aggregate classification.
Comment: This variant is classified as benign based on ACMG/AMP sequence variant interpretation guidelines (Richards et al. 2015 PMID: 25741868, with internal and published modifications).